The following is an entry in ClinVar:

NM_001165963.4(SCN1A):c.243C>G (p.Asp81Glu)

Gene: SCN1A (sodium voltage-gated channel alpha subunit 1; minus strand). Cytogenetic location: 2q24.3.
Variant type: single nucleotide variant.
Coding change: c.243C>G on transcript NM_001165963.4 (MANE Select); coding-DNA position 243, C replaced by G.
Protein change: p.Asp81Glu; replaces aspartic acid 81 with glutamic acid.
Molecular consequence: missense variant. On other transcripts: 5 prime UTR variant (1), non-coding transcript variant (1).
Genome position (GRCh38, 1-based): chr2:166,073,379, G>C on the plus strand (C>G on the coding strand, the complement: SCN1A is on the minus strand). VCF-style: chr2-166073379-G-C. GRCh37 (hg19) VCF-style: chr2-166929889-G-C.
Other names: p.D81E:GAC>GAG; c.243C>G, p.Asp81Glu (NM_001165964.3, NM_001202435.3, NM_001353948.2 and 10 more transcripts); c.-2183C>G (NM_001353961.2); short protein forms D81E.
Identifiers: ClinVar variation 206831 (VCV000206831.2), dbSNP rs796053016, ClinGen allele CA317472.

ClinVar aggregate classification (germline): Likely pathogenic (1 of 4 stars; one submission).

Submission:

GeneDx
Classification: Likely pathogenic. Last evaluated: 2013-02-27. Review status: criteria provided, single submitter. Criteria: GeneDx Variant Classification (06012015). Collection method: clinical testing. Allele origin: germline. Affected: yes.
Comment: p.Asp81Glu (GAC>GAG): c.243 C>G in exon 1 of the SCN1A gene (NM_001165963.1) The Asp81Glu missense change is listed as a de novo mutation in an individual with borderline severe myoclonic epilepsy in a locus-specific mutation database but it has not been published in peer-reviewed literature. The NHLBI ESP Exome Variant Project has not identified Asp81Glu in approximately 6,500 individuals of European or African American ethnicity, indicating that it is not a common benign variant in these populations. The amino acid substitution is conservative as both Aspartic acid and Glutamic acid are negatively charged, polar amino acid residues. However, Asp81Glu alters a highly conserved position in the N-terminal region of the protein and multiple missense mutations in the vicinity of the Asp81 residue have been reported in association with an SCN1A-related disorder. In addition, multiple in-silico algorithms predict that Asp81Glu is damaging to the structure/function of the protein. Based on the currently available information, Asp81Glu is a strong candidate for a disease-causing mutation, although the possibility that it is a benign variant cannot be excluded. The variant is found in INFANT-EPI panel(s).